The following is an entry in ClinVar:

NM_000455.5(STK11):c.898ATCCGGCAG[3] (p.300IRQ[3])

Gene: STK11 (serine/threonine kinase 11; plus strand). Cytogenetic location: 19p13.3.
Variant type: Microsatellite.
Coding change: c.898ATCCGGCAG[3] on transcript NM_000455.5 (MANE Select); three copies in a row of the 9-base unit ATCCGGCAG starting at c.898; the reference has two copies in a row; one copy, 9 bases duplicated.
Protein change: p.300IRQ[3].
Molecular consequence: inframe insertion.
Genome position (GRCh38, 1-based): chr19:1,221,993-1,222,001, ATCCGGCAG duplicated; duplicating any 9 consecutive bases within chr19:1,221,984-1,222,001 gives the same sequence; the position shown is the placement nearest the transcript's 3' end. VCF-style (leftmost placement, unchanged base first): chr19-1221983-C-CATCCGGCAG. GRCh37 (hg19) VCF-style: chr19-1221982-C-CATCCGGCAG.
Other names: c.907_915dupATCCGGCAG (NM_000455.4).
Identifiers: ClinVar variation 1052089 (VCV001052089.9), dbSNP rs2145428787, ClinGen allele CA2580613015.

ClinVar aggregate classification (germline): Conflicting classifications of pathogenicity. Review status: criteria provided, conflicting classifications (1 of 4 stars). 2 submissions from 2 submitters: Likely pathogenic (1); Uncertain significance (1). Last evaluated 2025-07-09.

Conditions:
Hereditary cancer-predisposing syndrome. Also called: Hereditary Cancer Syndrome; Tumor predisposition; Hereditary neoplastic syndrome; Neoplastic Syndromes, Hereditary. Identifiers: Orphanet 140162, MedGen C0027672, MeSH D009386, MONDO:0015356.
Peutz-Jeghers syndrome (PJS). Also called: POLYPOSIS, HAMARTOMATOUS INTESTINAL; POLYPS-AND-SPOTS SYNDROME; Peutz-Jeghers polyposis; Periorificial lentiginosis syndrome. Identifiers: Orphanet 2869, MedGen C0031269, MeSH D010580, MONDO:0008280, OMIM 175200.

Submissions (2):

Ambry Genetics
Classification: Likely pathogenic for Hereditary cancer-predisposing syndrome. Last evaluated: 2025-07-09. Review status: criteria provided, single submitter. Criteria: Ambry Variant Classification Scheme 2023. Collection method: clinical testing. Allele origin: germline.
Comment: The c.907_915dupATCCGGCAG variant (also known as p.I303_Q305dup), located in coding exon 7 of the STK11 gene, results from an in-frame duplication of ATCCGGCAG at nucleotide positions 907 to 915. This results in the duplication of 3 extra residues (IRQ) between codons 303 and 305. This variant was identified in individual(s) with features consistent with Peutz-Jeghers syndrome (PJS) (Ambry internal data). This amino acid region is highly conserved in available vertebrate species and the impacted region is critical for protein function (Ambry internal data). In addition, this alteration is predicted to be deleterious by in silico analysis (Choi Y et al. PLoS ONE. 2012; 7(10):e46688). Based on the majority of available evidence to date, this variant is likely to be pathogenic.

Labcorp Genetics (formerly Invitae), Labcorp
Classification: Uncertain significance for Peutz-Jeghers syndrome. Last evaluated: 2021-12-06. Review status: criteria provided, single submitter. Criteria: Invitae Variant Classification Sherloc (09022015). Collection method: clinical testing. Allele origin: germline.
Comment: This variant, c.907_915dup, results in the insertion of 3 amino acid(s) of the STK11 protein (p.Ile303_Gln305dup), but otherwise preserves the integrity of the reading frame. This variant is not present in population databases (gnomAD no frequency). This variant has been observed in individual(s) with Peutz-Jeghers syndrome (Invitae). Experimental studies and prediction algorithms are not available or were not evaluated, and the functional significance of this variant is currently unknown. In summary, the available evidence is currently insufficient to determine the role of this variant in disease. Therefore, it has been classified as a Variant of Uncertain Significance.